The following is an entry in ClinVar:

NM_000094.4(COL7A1):c.2743G>A (p.Glu915Lys)

Gene: COL7A1 (collagen type VII alpha 1 chain; minus strand). Cytogenetic location: 3p21.31.
Variant type: single nucleotide variant.
Coding change: c.2743G>A on transcript NM_000094.4 (MANE Select); coding-DNA position 2743, G replaced by A.
Protein change: p.Glu915Lys; replaces glutamic acid 915 with lysine.
Molecular consequence: missense variant.
Genome position (GRCh38, 1-based): chr3:48,587,907, C>T on the plus strand (G>A on the coding strand, the complement: COL7A1 is on the minus strand). VCF-style: chr3-48587907-C-T. GRCh37 (hg19) VCF-style: chr3-48625340-C-T.
Other names: short protein forms E915K.
Identifiers: ClinVar variation 1366685 (VCV001366685.7), dbSNP rs747337505, ClinGen allele CA2380764.

ClinVar aggregate classification (germline): Uncertain significance. Review status: criteria provided, multiple submitters, no conflicts (2 of 4 stars). 2 submissions from 2 submitters: Uncertain significance (2). Last evaluated 2025-07-03.

Allele frequency attached by ClinVar (database versions not stated): TOPMed below 0.00001; gnomAD 0.00001; ExAC 0.00003; gnomAD exomes 0.00003.
gnomAD v4.1: 13 of 1,605,324 alleles (0.00081%); highest among the groups gnomAD compares: East Asian, 0.0023%; no homozygotes.

Submissions (2):

Women's Health and Genetics/Laboratory Corporation of America, LabCorp
Classification: Uncertain significance. Last evaluated: 2025-07-03. Review status: criteria provided, single submitter. Criteria: LabCorp Variant Classification Summary - May 2015. Collection method: clinical testing. Allele origin: germline.

Labcorp Genetics (formerly Invitae), Labcorp
Classification: Uncertain significance. Last evaluated: 2024-12-03. Review status: criteria provided, single submitter. Criteria: Invitae Variant Classification Sherloc (09022015). Collection method: clinical testing. Allele origin: germline.
Comment: This sequence change replaces glutamic acid, which is acidic and polar, with lysine, which is basic and polar, at codon 915 of the COL7A1 protein (p.Glu915Lys). This variant is present in population databases (rs747337505, gnomAD 0.004%). This variant has not been reported in the literature in individuals affected with COL7A1-related conditions. ClinVar contains an entry for this variant (Variation ID: 1366685). Invitae Evidence Modeling of protein sequence and biophysical properties (such as structural, functional, and spatial information, amino acid conservation, physicochemical variation, residue mobility, and thermodynamic stability) indicates that this missense variant is not expected to disrupt COL7A1 protein function with a negative predictive value of 95%. In summary, the available evidence is currently insufficient to determine the role of this variant in disease. Therefore, it has been classified as a Variant of Uncertain Significance.